The following is an entry in ClinVar:

ClinVar aggregate classification (germline): Uncertain significance (1 of 4 stars; one submission).

Conditions:
Inborn genetic diseases. Identifiers: MedGen C0950123, MeSH D030342.

Submissions (2):

Ambry Genetics
Classification: Uncertain significance for Inborn genetic diseases. Last evaluated: 2025-06-14. Review status: criteria provided, single submitter. Criteria: Ambry Variant Classification Scheme 2023. Collection method: clinical testing. Allele origin: germline.
Comment: The p.A1097V variant (also known as c.3290C>T), located in coding exon 33 of the FANCA gene, results from a C to T substitution at nucleotide position 3290. The alanine at codon 1097 is replaced by valine, an amino acid with similar properties. This amino acid position is conserved. In addition, this alteration is predicted to be tolerated by in silico analysis. Based on the available evidence, the clinical significance of this variant remains unclear.

Dr. Peter K. Rogan Lab, Western University
No classification provided (evidence only). Condition: Pancreatic adenocarcinoma. Review status: no classification provided. Collection method: in vitro. Allele origin: not applicable. Functional consequence: retained intron. Not counted in ClinVar's aggregate classification.

NM_000135.4(FANCA):c.3290C>T (p.Ala1097Val)

Gene: FANCA (FA complementation group A; minus strand). Cytogenetic location: 16q24.3.
Variant type: single nucleotide variant.
Coding change: c.3290C>T on transcript NM_000135.4 (MANE Select); coding-DNA position 3290, C replaced by T.
Protein change: p.Ala1097Val; replaces alanine 1097 with valine.
Molecular consequence: missense variant.
Genome position (GRCh38, 1-based): chr16:89,748,717, G>A on the plus strand (C>T on the coding strand, the complement: FANCA is on the minus strand). VCF-style: chr16-89748717-G-A. GRCh37 (hg19) VCF-style: chr16-89815125-G-A.
Other names: NC_000016.9:g.89815125G>A; c.3290C>T, p.Ala1097Val (NM_001286167.3); short protein forms A1097V.
Identifiers: ClinVar variation 4022380 (VCV004022380.2).